The following is an entry in ClinVar:

ClinVar aggregate classification (germline): Conflicting classifications of pathogenicity. Review status: criteria provided, conflicting classifications (1 of 4 stars). 2 submissions from 2 submitters: Likely pathogenic (1); Uncertain significance (1). Last evaluated 2025-02-27.

Conditions:
Hepatic methionine adenosyltransferase deficiency. Also called: MAT I/III DEFICIENCY; Methionine adenosyltransferase deficiency; Isolated Persistent Hypermethioninemia; Deficiency of methionine adenosyltransferase. Identifiers: Orphanet 168598, MedGen C0268621, MeSH C564683, MONDO:0009607, OMIM 250850.

Submissions (2):

Labcorp Genetics (formerly Invitae), Labcorp
Classification: Uncertain significance for Hepatic methionine adenosyltransferase deficiency. Last evaluated: 2025-02-27. Review status: criteria provided, single submitter. Criteria: Invitae Variant Classification Sherloc (09022015). Collection method: clinical testing. Allele origin: germline.
Comment: This sequence change replaces isoleucine, which is neutral and non-polar, with threonine, which is neutral and polar, at codon 322 of the MAT1A protein (p.Ile322Thr). This variant is not present in population databases (gnomAD no frequency). This variant has not been reported in the literature in individuals affected with MAT1A-related conditions. ClinVar contains an entry for this variant (Variation ID: 2782962). Invitae Evidence Modeling of protein sequence and biophysical properties (such as structural, functional, and spatial information, amino acid conservation, physicochemical variation, residue mobility, and thermodynamic stability) indicates that this missense variant is expected to disrupt MAT1A protein function with a positive predictive value of 80%. This variant disrupts the p.Ile322 amino acid residue in MAT1A. Other variant(s) that disrupt this residue have been determined to be pathogenic (PMID: 7560086, 10677294, 20675163). This suggests that this residue is clinically significant, and that variants that disrupt this residue are likely to be disease-causing. In summary, the available evidence is currently insufficient to determine the role of this variant in disease. Therefore, it has been classified as a Variant of Uncertain Significance.

GeneDx
Classification: Likely pathogenic. Last evaluated: 2024-12-21. Review status: criteria provided, single submitter. Criteria: GeneDx Variant Classification Process June 2021. Collection method: clinical testing. Allele origin: germline. Affected: yes.
Comment: Reported in a cohort of patients with inborn errors of metabolism who were sequenced by whole exome sequencing, but individual clinical information was not provided (PMID: 38061323); Not observed at significant frequency in large population cohorts (gnomAD); In silico analysis supports that this missense variant has a deleterious effect on protein structure/function; This variant is associated with the following publications: (PMID: 38061323)

Literature cited by the submitters: PubMed 7560086 (cited by Labcorp Genetics (formerly Invitae), Labcorp); PubMed 10677294 (cited by Labcorp Genetics (formerly Invitae), Labcorp); PubMed 20675163 (cited by Labcorp Genetics (formerly Invitae), Labcorp).

NM_000429.3(MAT1A):c.965T>C (p.Ile322Thr)

Gene: MAT1A (methionine adenosyltransferase 1A; minus strand). Cytogenetic location: 10q22.3.
Variant type: single nucleotide variant.
Coding change: c.965T>C on transcript NM_000429.3 (MANE Select); coding-DNA position 965, T replaced by C.
Protein change: p.Ile322Thr; replaces isoleucine 322 with threonine.
Molecular consequence: missense variant.
Genome position (GRCh38, 1-based): chr10:80,274,640, A>G on the plus strand (T>C on the coding strand, the complement: MAT1A is on the minus strand). VCF-style: chr10-80274640-A-G. GRCh37 (hg19) VCF-style: chr10-82034396-A-G.
Other names: c.965T>C (NM_000429.2); short protein forms I322T.
Identifiers: ClinVar variation 2782962 (VCV002782962.4), dbSNP rs2492485397, ClinGen allele CA377360500.